The following is an entry in ClinVar:

NM_213599.3(ANO5):c.2698A>C (p.Met900Leu)

Gene: ANO5 (anoctamin 5; plus strand). Cytogenetic location: 11p14.3.
Variant type: single nucleotide variant.
Coding change: c.2698A>C on transcript NM_213599.3 (MANE Select); coding-DNA position 2698, A replaced by C.
Protein change: p.Met900Leu; replaces methionine 900 with leucine.
Molecular consequence: missense variant.
Genome position (GRCh38, 1-based): chr11:22,279,721, A>C. VCF-style: chr11-22279721-A-C. GRCh37 (hg19) VCF-style: chr11-22301267-A-C.
Other names: p.Met900Leu; c.2695A>C, p.Met899Leu (NM_001142649.2); short protein forms M900L, M899L.
Identifiers: ClinVar variation 195706 (VCV000195706.73), dbSNP rs148293985, ClinGen allele CA242244.

ClinVar aggregate classification (germline): Conflicting classifications of pathogenicity. Review status: criteria provided, conflicting classifications (1 of 4 stars). 12 submissions from 12 submitters: Uncertain significance (5); Likely benign (6). 1 of the submissions does not count toward it. Last evaluated 2026-07-01.

Conditions:
ANO5-related disorder. Also called: ANO5-related condition; ANO5-related disorders. Identifiers: MedGen CN239193.
Autosomal recessive limb-girdle muscular dystrophy type 2L (LGMDR12). Also called: Limb-girdle muscular dystrophy, type 2L; Limb-Girdle Muscular Dystrophy R12 Anoctamin-5-Related (LGMD-R12); MUSCULAR DYSTROPHY, LIMB-GIRDLE, AUTOSOMAL RECESSIVE 12. Identifiers: Orphanet 206549, MedGen C1969785, MONDO:0012652, OMIM 611307.
Gnathodiaphyseal dysplasia (GDD). Also called: GNATHODIAPHYSEAL SCLEROSIS; OSTEOGENESIS IMPERFECTA WITH UNUSUAL SKELETAL LESIONS. Identifiers: Orphanet 53697, MedGen C1833736, MONDO:0008151, OMIM 166260.
ANO5-Related Muscle Diseases. Identifiers: MedGen CN180644.

Allele frequency attached by ClinVar (database versions not stated): ExAC 0.00115; gnomAD exomes 0.00120 and 0.00251; TOPMed 0.00127; gnomAD 0.00158 and 0.00169; ESP Exome Variant Server 0.00177.
gnomAD v4.1: 3,826 of 1,612,790 alleles (0.24%); highest among the groups gnomAD compares: Non-Finnish European, 0.31%; 9 homozygotes.

Submissions (12):

CeGaT Center for Human Genetics Tuebingen
Classification: Likely benign. Last evaluated: 2026-07-01. Review status: criteria provided, single submitter. Criteria: CeGaT Center For Human Genetics Tuebingen Variant Classification Criteria Version 2. Collection method: clinical testing. Allele origin: germline. Affected: yes. Observed: 12 variant alleles.
Comment: ANO5: BP4, BS2

Labcorp Genetics (formerly Invitae), Labcorp
Classification: Likely benign for Autosomal recessive limb-girdle muscular dystrophy type 2L; Gnathodiaphyseal dysplasia. Last evaluated: 2026-02-01. Review status: criteria provided, single submitter. Criteria: Invitae Variant Classification Sherloc (09022015). Collection method: clinical testing. Allele origin: germline.

Mayo Clinic Laboratories, Mayo Clinic
Classification: Uncertain significance. Last evaluated: 2025-02-10. Review status: criteria provided, single submitter. Criteria: ACMG Guidelines, 2015. Collection method: clinical testing. Allele origin: germline. Observed: 3 variant alleles.
Comment: BP4_moderate

Blueprint Genetics
Classification: Likely benign. Last evaluated: 2024-10-17. Review status: criteria provided, single submitter. Criteria: ACMG Guidelines, 2015. Collection method: clinical testing. Allele origin: germline.

GeneDx
Classification: Likely benign. Last evaluated: 2021-06-28. Review status: criteria provided, single submitter. Criteria: GeneDx Variant Classification Process June 2021. Collection method: clinical testing. Allele origin: germline. Affected: yes.
Comment: This variant is associated with the following publications: (PMID: 30564623, 25891276, 23670307, 23606453)

Athena Diagnostics
Classification: Likely benign. Last evaluated: 2021-02-23. Review status: criteria provided, single submitter. Criteria: Athena Diagnostics criteria. Collection method: clinical testing. Allele origin: unknown.

Baylor Genetics
Classification: Uncertain significance for Gnathodiaphyseal dysplasia. Last evaluated: 2018-02-08. Review status: criteria provided, single submitter. Criteria: ACMG Guidelines, 2015. Collection method: clinical testing. Allele origin: paternal. Affected: yes.
Comment: This variant was determined to be of uncertain significance according to ACMG Guidelines, 2015 [PMID:25741868].

Illumina Laboratory Services, Illumina
Classification: Uncertain significance for ANO5-Related Muscle Diseases. Last evaluated: 2017-04-27. Review status: criteria provided, single submitter. Criteria: ICSL Variant Classification Criteria 13 December 2019. Collection method: clinical testing. Allele origin: germline.

Center for Pediatric Genomic Medicine, Children's Mercy Hospital and Clinics
Classification: Uncertain significance. Last evaluated: 2016-11-08. Review status: criteria provided, single submitter. Criteria: ACMG Guidelines, 2015. Collection method: clinical testing. Allele origin: germline.
ClinVar note: Converted during submission from Uncertain Significance to Uncertain significance.

Genetic Services Laboratory, University of Chicago
Classification: Uncertain significance. Last evaluated: 2016-05-05. Review status: criteria provided, single submitter. Criteria: ACMG Guidelines, 2015. Collection method: clinical testing. Allele origin: germline. Affected: no.

Eurofins Ntd Llc (ga)
Classification: Likely benign. Last evaluated: 2015-10-02. Review status: criteria provided, single submitter. Criteria: EGL Classification Definitions 2015. Collection method: clinical testing. Allele origin: germline. Observed: 12 variant alleles, 12 heterozygotes.

PreventionGenetics, part of Exact Sciences
Classification: Likely benign for ANO5-related condition. Last evaluated: 2024-03-11. Review status: no assertion criteria provided. Collection method: clinical testing. Allele origin: germline. Not counted in ClinVar's aggregate classification.
Comment: This variant is classified as likely benign based on ACMG/AMP sequence variant interpretation guidelines (Richards et al. 2015 PMID: 25741868, with internal and published modifications).

Literature cited by the submitters: PubMed 23606453 (cited by 3 submitters); PubMed 23670307 (cited by 3 submitters); PubMed 25891276 (cited by 3 submitters); PubMed 30564623 (cited by Mayo Clinic Laboratories, Mayo Clinic and Athena Diagnostics); PubMed 34145687 (cited by Mayo Clinic Laboratories, Mayo Clinic); PubMed 34550615 (cited by Mayo Clinic Laboratories, Mayo Clinic).